The following is an entry in ClinVar:

NM_001129820.2(SLFN14):c.426T>G (p.Ser142Arg)

Gene: SLFN14 (schlafen family member 14; minus strand). Cytogenetic location: 17q12.
Variant type: single nucleotide variant.
Coding change: c.426T>G on transcript NM_001129820.2 (MANE Select); coding-DNA position 426, T replaced by G.
Protein change: p.Ser142Arg; replaces serine 142 with arginine.
Molecular consequence: missense variant.
Genome position (GRCh38, 1-based): chr17:35,557,637, A>C on the plus strand (T>G on the coding strand, the complement: SLFN14 is on the minus strand). VCF-style: chr17-35557637-A-C. GRCh37 (hg19) VCF-style: chr17-33884656-A-C.
Other names: short protein forms S142R.
Identifiers: ClinVar variation 1331705 (VCV001331705.2), dbSNP rs189281314, ClinGen allele CA8504699.

ClinVar aggregate classification (germline): Likely benign. Review status: criteria provided, multiple submitters, no conflicts (2 of 4 stars). 2 submissions from 2 submitters: Likely benign (2). Last evaluated 2025-07-22.

Conditions:
SLFN14-related disorder. Also called: SLFN14-related condition.
Platelet-type bleeding disorder 20 (BDPLT20). Identifiers: Orphanet 466806, MedGen C4310797, MONDO:0014830, OMIM 616913.

Allele frequency attached by ClinVar (database versions not stated): gnomAD 0.00015; TOPMed 0.00018; 1000 Genomes Project 30x 0.00047; 1000 Genomes Project 0.00060.
gnomAD v4.1: 42 of 1,551,668 alleles (0.0027%); highest among the groups gnomAD compares: African/African-American, 0.056%; no homozygotes.

Submissions (2):

PreventionGenetics, part of Exact Sciences
Classification: Likely benign for SLFN14-related condition. Last evaluated: 2025-07-22. Review status: criteria provided, single submitter. Criteria: ACMG Guidelines, 2015. Collection method: clinical testing. Allele origin: germline.
Comment: This variant is classified as likely benign based on ACMG/AMP sequence variant interpretation guidelines (Richards et al. 2015 PMID: 25741868, with internal and published modifications).

Johns Hopkins Genomics, Johns Hopkins University
Classification: Likely benign for Platelet-type bleeding disorder 20. Last evaluated: 2022-01-05. Review status: criteria provided, single submitter. Criteria: ACMG Guidelines, 2015. Collection method: clinical testing. Allele origin: germline.

Literature cited by the submitters: PubMed 26280575 (cited by Johns Hopkins Genomics, Johns Hopkins University).